The following is an entry in ClinVar:

ClinVar aggregate classification (germline): Likely benign (0 of 4 stars; one submission).

Conditions:
PLXNA3-related disorder. Also called: PLXNA3-related condition.

Allele frequency attached by ClinVar (database versions not stated): ExAC 0.00010; ESP Exome Variant Server 0.00029; gnomAD 0.00036.
gnomAD v4.1: 120 of 1,193,598 alleles (0.01%); highest among the groups gnomAD compares: African/African-American, 0.13%; 1 homozygote.

Submission:

PreventionGenetics, part of Exact Sciences
Classification: Likely benign for PLXNA3-related condition. Last evaluated: 2021-08-24. Review status: no assertion criteria provided. Collection method: clinical testing. Allele origin: germline.
Comment: This variant is classified as likely benign based on ACMG/AMP sequence variant interpretation guidelines (Richards et al. 2015 PMID: 25741868, with internal and published modifications).

NM_017514.5(PLXNA3):c.3420G>A (p.Pro1140=)

Gene: PLXNA3 (plexin A3; plus strand). Cytogenetic location: Xq28.
Variant type: single nucleotide variant.
Coding change: c.3420G>A on transcript NM_017514.5 (MANE Select); coding-DNA position 3420, G replaced by A.
Protein change: p.Pro1140=; no amino-acid change (proline 1140 retained).
Molecular consequence: synonymous variant.
Genome position (GRCh38, 1-based): chrX:154,467,450, G>A. VCF-style: chrX-154467450-G-A. GRCh37 (hg19) VCF-style: chrX-153695793-G-A.
Identifiers: ClinVar variation 3033880 (VCV003033880.2), dbSNP rs144840211, ClinGen allele CA10564619.